The following is an entry in ClinVar:

ClinVar aggregate classification (germline): Uncertain significance (1 of 4 stars; one submission).

Conditions:
Transcobalamin I deficiency (TCN1D). Also called: COBALAMIN PSEUDODEFICIENCY DUE TO TRANSCOBALAMIN DEFICIENCY; COBALAMIN R BINDER PROTEIN DEFICIENCY; TCN1 DEFICIENCY. Identifiers: Orphanet 2967, MedGen C0342700, MONDO:0008659, OMIM 193090.

Allele frequency attached by ClinVar (database versions not stated): ExAC 0.00002; gnomAD 0.00003; gnomAD exomes 0.00010.

Submission:

Labcorp Genetics (formerly Invitae), Labcorp
Classification: Uncertain significance for Transcobalamin I deficiency. Last evaluated: 2022-07-13. Review status: criteria provided, single submitter. Criteria: Invitae Variant Classification Sherloc (09022015). Collection method: clinical testing. Allele origin: germline.
Comment: In summary, the available evidence is currently insufficient to determine the role of this variant in disease. Therefore, it has been classified as a Variant of Uncertain Significance. Algorithms developed to predict the effect of missense changes on protein structure and function output the following: SIFT: "Tolerated"; PolyPhen-2: "Benign"; Align-GVGD: "Class C0". The isoleucine amino acid residue is found in multiple mammalian species, which suggests that this missense change does not adversely affect protein function. This variant has not been reported in the literature in individuals affected with TCN1-related conditions. This variant is present in population databases (rs747172916, gnomAD 0.004%). This sequence change replaces threonine, which is neutral and polar, with isoleucine, which is neutral and non-polar, at codon 221 of the TCN1 protein (p.Thr221Ile).

NM_001062.4(TCN1):c.662C>T (p.Thr221Ile)

Gene: TCN1 (transcobalamin 1; minus strand). Cytogenetic location: 11q12.1.
Variant type: single nucleotide variant.
Coding change: c.662C>T on transcript NM_001062.4 (MANE Select); coding-DNA position 662, C replaced by T.
Protein change: p.Thr221Ile; replaces threonine 221 with isoleucine.
Molecular consequence: missense variant.
Genome position (GRCh38, 1-based): chr11:59,859,162, G>A on the plus strand (C>T on the coding strand, the complement: TCN1 is on the minus strand). VCF-style: chr11-59859162-G-A. GRCh37 (hg19) VCF-style: chr11-59626635-G-A.
Other names: short protein forms T221I.
Identifiers: ClinVar variation 2059224 (VCV002059224.2), dbSNP rs747172916, ClinGen allele CA6021944.